The following is an entry in ClinVar:

NM_001261826.3(AP3D1):c.1689C>T (p.Ser563=)

Gene: AP3D1 (adaptor related protein complex 3 subunit delta 1; minus strand). Cytogenetic location: 19p13.3.
Variant type: single nucleotide variant.
Coding change: c.1689C>T on transcript NM_001261826.3 (MANE Select); coding-DNA position 1689, C replaced by T.
Protein change: p.Ser563=; no amino-acid change (serine 563 retained).
Molecular consequence: synonymous variant.
Genome position (GRCh38, 1-based): chr19:2,118,625, G>A on the plus strand (C>T on the coding strand, the complement: AP3D1 is on the minus strand). VCF-style: chr19-2118625-G-A. GRCh37 (hg19) VCF-style: chr19-2118624-G-A.
Other names: c.1689C>T, p.Ser563= (NM_001374799.1, NM_003938.8); c.1689C>T (NM_001261826.1).
Identifiers: ClinVar variation 2083721 (VCV002083721.30), dbSNP rs528996823, ClinGen allele CA9059241.

ClinVar aggregate classification (germline): Likely benign. Review status: criteria provided, multiple submitters, no conflicts (2 of 4 stars). 4 submissions from 4 submitters: Likely benign (4). Last evaluated 2026-02-26.

Conditions:
AP3D1-related disorder. Also called: AP3D1-related condition.

Allele frequency attached by ClinVar (database versions not stated): gnomAD exomes 0.00002; TOPMed 0.00002; gnomAD 0.00005; ExAC 0.00006; 1000 Genomes Project 0.00040; 1000 Genomes Project 30x 0.00047.
gnomAD v4.1: 28 of 1,611,150 alleles (0.0017%); highest among the groups gnomAD compares: East Asian, 0.033%; no homozygotes.

Submissions (4):

PreventionGenetics, part of Exact Sciences
Classification: Likely benign for AP3D1-related condition. Last evaluated: 2026-02-26. Review status: criteria provided, single submitter. Criteria: ACMG Guidelines, 2015. Collection method: clinical testing. Allele origin: germline.
Comment: This variant is classified as likely benign based on ACMG/AMP sequence variant interpretation guidelines (Richards et al. 2015 PMID: 25741868, with internal and published modifications).

Labcorp Genetics (formerly Invitae), Labcorp
Classification: Likely benign. Last evaluated: 2025-10-29. Review status: criteria provided, single submitter. Criteria: Invitae Variant Classification Sherloc (09022015). Collection method: clinical testing. Allele origin: germline.

Blueprint Genetics
Classification: Likely benign. Last evaluated: 2023-09-05. Review status: criteria provided, single submitter. Criteria: ACMG Guidelines, 2015. Collection method: clinical testing. Allele origin: germline.

CeGaT Center for Human Genetics Tuebingen
Classification: Likely benign. Last evaluated: 2023-02-01. Review status: criteria provided, single submitter. Criteria: CeGaT Center For Human Genetics Tuebingen Variant Classification Criteria Version 2. Collection method: clinical testing. Allele origin: germline. Affected: yes. Observed: 1 variant allele.
Comment: AP3D1: BP4, BP7